The following is an entry in ClinVar:

NM_000016.6(ACADM):c.118G>C (p.Glu40Gln)

Gene: ACADM (acyl-CoA dehydrogenase medium chain; plus strand). Cytogenetic location: 1p31.1.
Variant type: single nucleotide variant.
Coding change: c.118G>C on transcript NM_000016.6 (MANE Select); coding-DNA position 118, G replaced by C.
Protein change: p.Glu40Gln; replaces glutamic acid 40 with glutamine.
Molecular consequence: missense variant. On other transcripts: intron variant (2).
Genome position (GRCh38, 1-based): chr1:75,728,488, G>C. VCF-style: chr1-75728488-G-C. GRCh37 (hg19) VCF-style: chr1-76194173-G-C.
Other names: c.130G>C, p.Glu44Gln (NM_001127328.3); c.118G>C, p.Glu40Gln (NM_001286043.2); c.10+3671G>C (NM_001286042.2); c.-268+3671G>C (NM_001286044.2); short protein forms E40Q, E44Q.
Identifiers: ClinVar variation 92255 (VCV000092255.7), dbSNP rs398123071, ClinGen allele CA220167.
Genomic context (GRCh38, chr1:75,728,488, plus strand): 5'-TGGAGATCACAGCATACAAAAGCCAATCGACAACGTGAACCAGGATTAGGATTTAGTTTT[G>C]GTATATGTTCGGTTCTATCTTTTGACTTTAAACTTATACATATGAAGCTTTATATGTTTT-3'
Protein context (NP_000007.1, residues 30-50): QREPGLGFSF[Glu40Gln]FTEQQKEFQA

ClinVar aggregate classification (germline): Conflicting classifications of pathogenicity. Review status: criteria provided, conflicting classifications (1 of 4 stars). 2 submissions from 2 submitters: Likely pathogenic (1); Uncertain significance (1). Last evaluated 2025-01-28.

Allele frequency attached by ClinVar (database versions not stated): TOPMed below 0.00001.

Submissions (2):

GeneDx
Classification: Likely pathogenic. Last evaluated: 2025-01-28. Review status: criteria provided, single submitter. Criteria: GeneDx Variant Classification Process June 2021. Collection method: clinical testing. Allele origin: germline. Affected: yes.
Comment: Alters the last nucleotide of the exon and is predicted to destroy the splice donor site and result in aberrant splicing, although in the absence of functional evidence the actual effect of this sequence change is unknown; Not observed at significant frequency in large population cohorts (gnomAD); Has not been previously published as pathogenic or benign to our knowledge

Eurofins Ntd Llc (ga)
Classification: Uncertain significance. Last evaluated: 2015-10-01. Review status: criteria provided, single submitter. Criteria: EGL Classification Definitions 2015. Collection method: clinical testing. Allele origin: germline. Observed: 1 variant allele, 1 heterozygote.